The following is an entry in ClinVar:

ClinVar aggregate classification (germline): Uncertain significance (1 of 4 stars; one submission).

Conditions:
Inborn genetic diseases. Identifiers: MedGen C0950123, MeSH D030342.

Submission:

Ambry Genetics
Classification: Uncertain significance for Inborn genetic diseases. Last evaluated: 2023-07-25. Review status: criteria provided, single submitter. Criteria: Ambry Variant Classification Scheme 2023. Collection method: clinical testing. Allele origin: germline.
Comment: The c.1451T>C (p.L484S) alteration is located in exon 12 (coding exon 11) of the LMBRD2 gene. This alteration results from a T to C substitution at nucleotide position 1451, causing the leucine (L) at amino acid position 484 to be replaced by a serine (S). This variant was not reported in population-based cohorts in the Genome Aggregation Database (gnomAD). This amino acid position is highly conserved in available vertebrate species. The in silico prediction for this alteration is inconclusive. Based on insufficient or conflicting evidence, the clinical significance of this alteration remains unclear.

NM_001007527.2(LMBRD2):c.1451T>C (p.Leu484Ser)

Gene: LMBRD2 (LMBR1 domain containing 2; minus strand). Cytogenetic location: 5p13.2.
Variant type: single nucleotide variant.
Coding change: c.1451T>C on transcript NM_001007527.2 (MANE Select); coding-DNA position 1451, T replaced by C.
Protein change: p.Leu484Ser; replaces leucine 484 with serine.
Molecular consequence: missense variant.
Genome position (GRCh38, 1-based): chr5:36,115,106, A>G on the plus strand (T>C on the coding strand, the complement: LMBRD2 is on the minus strand). VCF-style: chr5-36115106-A-G. GRCh37 (hg19) VCF-style: chr5-36115208-A-G.
Other names: short protein forms L484S.
Identifiers: ClinVar variation 2598143 (VCV002598143.2), dbSNP rs2532031784, ClinGen allele CA359444510.